The following is an entry in ClinVar:

NM_003664.5(AP3B1):c.1892C>T (p.Thr631Ile)

Gene: AP3B1 (adaptor related protein complex 3 subunit beta 1; minus strand). Cytogenetic location: 5q14.1.
Variant type: single nucleotide variant.
Coding change: c.1892C>T on transcript NM_003664.5 (MANE Select); coding-DNA position 1892, C replaced by T.
Protein change: p.Thr631Ile; replaces threonine 631 with isoleucine.
Molecular consequence: missense variant.
Genome position (GRCh38, 1-based): chr5:78,128,106, G>A on the plus strand (C>T on the coding strand, the complement: AP3B1 is on the minus strand). VCF-style: chr5-78128106-G-A. GRCh37 (hg19) VCF-style: chr5-77423930-G-A.
Other names: c.1745C>T, p.Thr582Ile (NM_001271769.2); short protein forms T582I, T631I.
Identifiers: ClinVar variation 854592 (VCV000854592.9), dbSNP rs1752538898, ClinGen allele CA360187113.
Genomic context (GRCh38, chr5:78,128,106, plus strand): 5'-ACATTTCGAACTGATGGGTCGGGCGCCACCTCTGGCCAATTAGATAATTCCAGGTACCCA[G>A]TAGCTTTAATGTTGAGAGTATGAGATAAGGTGCCAAGCTGGAAATGATCTCTATCTATTA-3'
Protein context (NP_003655.3, residues 621-641): TLSHTLNIKA[Thr631Ile]GYLELSNWPE

ClinVar aggregate classification (germline): Uncertain significance (1 of 4 stars; one submission).

Conditions:
Hermansky-Pudlak syndrome 2 (HPS2). Also called: Platelet defects and oculocutaneous albinism. Identifiers: Orphanet 183678, Orphanet 79430, MedGen C1842362, MONDO:0011997, OMIM 608233.

Submission:

Labcorp Genetics (formerly Invitae), Labcorp
Classification: Uncertain significance for Hermansky-Pudlak syndrome 2. Last evaluated: 2019-11-25. Review status: criteria provided, single submitter. Criteria: Invitae Variant Classification Sherloc (09022015). Collection method: clinical testing. Allele origin: germline.
Comment: In summary, the available evidence is currently insufficient to determine the role of this variant in disease. Therefore, it has been classified as a Variant of Uncertain Significance. This variant has not been reported in the literature in individuals with AP3B1-related conditions. This sequence change replaces threonine with isoleucine at codon 631 of the AP3B1 protein (p.Thr631Ile). The threonine residue is moderately conserved and there is a moderate physicochemical difference between threonine and isoleucine. This variant is not present in population databases (ExAC no frequency). Algorithms developed to predict the effect of missense changes on protein structure and function (SIFT, PolyPhen-2, Align-GVGD) all suggest that this variant is likely to be tolerated, but these predictions have not been confirmed by published functional studies and their clinical significance is uncertain.